The following is an entry in ClinVar:

ClinVar aggregate classification (germline): Pathogenic. Review status: criteria provided, multiple submitters, no conflicts (2 of 4 stars). 3 submissions from 3 submitters: Pathogenic (3). Last evaluated 2018-01-12.

Conditions:
Diamond-Blackfan anemia. Also called: Blackfan Diamond syndrome; Aregenerative anemia chronic congenital; Red cell aplasia, pure hereditary; Congenital hypoplastic anemia; Aase syndrome. Identifiers: Orphanet 124, MedGen C1260899, MeSH D029503, MONDO:0015253, HP:0004810.

Submissions (3):

Labcorp Genetics (formerly Invitae), Labcorp
Classification: Pathogenic for Diamond-Blackfan anemia. Last evaluated: 2018-01-12. Review status: criteria provided, single submitter. Criteria: Invitae Variant Classification Sherloc (09022015). Collection method: clinical testing. Allele origin: germline.
Comment: For these reasons, this variant has been classified as Pathogenic. Experimental studies using patient derived fibroblasts have shown that this variant leads to decreased RPS24 and RPS19 protein levels, abnormal expression of cell cycle regulatory proteins, and reduced cellular proliferation (PMID: 19689926). This variant has been reported in an individual affected with Diamond-Blackfan anemia (PMID: 19689926). ClinVar contains an entry for this variant (Variation ID: 265439). This variant is not present in population databases (ExAC no frequency). This sequence change affects the initiator methionine of the RPS24 mRNA. The next in-frame methionine is located at codon 13.

GeneDx
Classification: Pathogenic. Last evaluated: 2016-07-24. Review status: criteria provided, single submitter. Criteria: GeneDx Variant Classification (06012015). Collection method: clinical testing. Allele origin: germline. Affected: yes.
Comment: The c.1 A>G pathogenic variant in the RPS24 gene has been reported previously in association with Diamond-Blackfan anemia (Badhai et al., 2009; Ghemlas et al., 2015). The c.1 A>G variant was not observed in approximately 6,500 individuals of European and African American ancestry in the NHLBI Exome Sequencing Project, indicating it is not a common benign variant in these populations. As this variant changes the translation initiator Methionine codon, the resultant protein is described as p.Met1?, using a question mark to signify that it is not known if the loss of Met1 means that all protein translation is completely prevented or if an abnormal protein is produced using an alternate Methionine. We interpret c.1 A>G as a pathogenic variant.

Ambry Genetics
Classification: Pathogenic for Diamond-Blackfan anemia. Last evaluated: 2015-12-08. Review status: criteria provided, single submitter. Criteria: Ambry Variant Classification Scheme 2023. Collection method: clinical testing. Allele origin: germline.
Comment: The p.M1? pathogenic mutation (also known as c.1A>G and p.M1V) is located in coding exon 1 of the RPS24 gene and results from a A to G substitution at nucleotide position 1. This is predicted to change the methionine to a valine at the initiation codon. Functional studies of fibroblasts showed a reduction in protein and impaired cell growth in cells with this mutation (Badhai J et al. Biochim Biophys Acta. 2009; 1792(10):1036-42). It was also reported in another DBA patient (Ghemlas I et al, J. Med. Genet. 2015 Sep; 52(9):575-84). In addition to the clinical data presented in the literature, since sequence variations that modify the initiation codon (ATG) are expected to cause a shift in the mRNA reading frame, this alteration is interpreted as a disease-causing mutation (ACMG Recommendations for Standards for Interpretation and Reporting of Sequence Variations. Revision 2007. Genet Med. 2008;10:294).

Literature cited by the submitters: PubMed 19689926 (cited by Labcorp Genetics (formerly Invitae), Labcorp and Ambry Genetics); PubMed 26136524 (cited by Ambry Genetics).

NM_033022.4(RPS24):c.1A>G (p.Met1Val)

Genes: RPS24 (ribosomal protein S24; plus strand), LOC130004144 (ATAC-STARR-seq lymphoblastoid active region 3613; plus strand). Cytogenetic location: 10q22.3.
Variant type: single nucleotide variant.
Coding change: c.1A>G on transcript NM_033022.4 (MANE Select); coding-DNA position 1, A replaced by G.
Protein change: p.Met1Val; changes the start codon (methionine 1).
Molecular consequence: missense variant, initiator codon variant.
Genome position (GRCh38, 1-based): chr10:78,033,902, A>G. VCF-style: chr10-78033902-A-G. GRCh37 (hg19) VCF-style: chr10-79793660-A-G.
Other names: c.1A>G, p.Met1Val (NM_001026.5, NM_001142282.2, NM_001142283.2 and 2 more transcripts); short protein forms M1V.
Identifiers: ClinVar variation 265439 (VCV000265439.13), dbSNP rs886039545, ClinGen allele CA10588481.